The following is an entry in ClinVar:

NM_206926.2(SELENON):c.1501-236G>T

Gene: SELENON (selenoprotein N; plus strand). Cytogenetic location: 1p36.11.
Variant type: single nucleotide variant.
Coding change: c.1501-236G>T on transcript NM_206926.2 (MANE Select); 236 bases into the intron before coding-DNA position 1501, G replaced by T.
Molecular consequence: intron variant.
Genome position (GRCh38, 1-based): chr1:25,815,312, G>T. VCF-style: chr1-25815312-G-T. GRCh37 (hg19) VCF-style: chr1-26141803-G-T.
Other names: c.1603-236G>T (NM_020451.3).
Identifiers: ClinVar variation 669836 (VCV000669836.1), dbSNP rs12121793, ClinGen allele CA10802540.
Genomic context (GRCh38, chr1:25,815,312, plus strand): 5'-GGAGAGGGGTCATTTCGGGGGGCGGGGGCAGAGGGCTAGTAGAAGAGGTGATGTTGGAAG[G>T]TGTTGGGTTTTCACTTGGTAGGCAAGGCAGGGAGGAGCCCCCTCGTCAGACACAGGGTGA-3'

ClinVar aggregate classification (germline): Benign (1 of 4 stars; one submission).

Allele frequency attached by ClinVar (database versions not stated): 1000 Genomes Project 0.70847; TOPMed 0.65315; 1000 Genomes Project 30x 0.69628.
gnomAD v4.1: 100,734 of 151,856 alleles (66%); highest among the groups gnomAD compares: East Asian, 97%; 36,613 homozygotes.

Submission:

GeneDx
Classification: Benign. Last evaluated: 2018-06-14. Review status: criteria provided, single submitter. Criteria: GeneDx Variant Classification (06012015). Collection method: clinical testing. Allele origin: germline. Affected: yes.
Comment: This variant is considered likely benign or benign based on one or more of the following criteria: it is a conservative change, it occurs at a poorly conserved position in the protein, it is predicted to be benign by multiple in silico algorithms, and/or has population frequency not consistent with disease.